The following is an entry in ClinVar:

ClinVar aggregate classification (germline): Uncertain significance (1 of 4 stars; one submission).

Submission:

Clinical Genomics Laboratory, Laboratory for Precision Diagnostics, University of Washington
Classification: Uncertain significance. Last evaluated: 2016-09-26. Review status: criteria provided, single submitter. Criteria: Clinical Cytogenomics Laboratory Policy on CNV Interpretation. Collection method: clinical testing. Allele origin: unknown. Affected: yes. Observed: 1 variant allele.

GRCh37/hg19 1q44(chr1:246118050-246815596)x3

Genes: TFB2M (transcription factor B2, mitochondrial; minus strand), CNST (consortin, connexin sorting protein; plus strand), SMYD3 (SET and MYND domain containing 3; minus strand). Cytogenetic location: 1q44.
Variant type: copy number gain.
Change: copy number 3 (three copies instead of two) of chr1:246,118,050-246,815,596 (697.5 kb, GRCh37 coordinates, 1-based), cytogenetic band 1q44.
Identifiers: ClinVar variation 268069 (VCV000268069.4).